The following is an entry in ClinVar:

NM_017612.5(ZCCHC8):c.585C>T (p.Ser195=)

Gene: ZCCHC8 (zinc finger CCHC-type containing 8; minus strand). Cytogenetic location: 12q24.31.
Variant type: single nucleotide variant.
Coding change: c.585C>T on transcript NM_017612.5 (MANE Select); coding-DNA position 585, C replaced by T.
Protein change: p.Ser195=; no amino-acid change (serine 195 retained).
Molecular consequence: synonymous variant. On other transcripts: intron variant (3).
Genome position (GRCh38, 1-based): chr12:122,483,480, G>A on the plus strand (C>T on the coding strand, the complement: ZCCHC8 is on the minus strand). VCF-style: chr12-122483480-G-A. GRCh37 (hg19) VCF-style: chr12-122968027-G-A.
Other names: c.585C>T (NM_017612.4); c.288C>T, p.Ser96= (NM_001350936.2); c.-43-785C>T (NM_001350938.2, NM_001350937.2); c.502-1393C>T (NM_001350935.2).
Identifiers: ClinVar variation 1588151 (VCV001588151.10), dbSNP rs757677740, ClinGen allele CA6846427.

ClinVar aggregate classification (germline): Likely benign. Review status: criteria provided, single submitter (1 of 4 stars). 2 submissions from 2 submitters: Likely benign (1). 1 of the submissions does not count toward it. Last evaluated 2025-11-18.

Conditions:
ZCCHC8-related disorder. Also called: ZCCHC8-related condition.

Allele frequency attached by ClinVar (database versions not stated): gnomAD exomes 0.00001 and 0.00004; gnomAD 0.00004; ExAC 0.00006; TOPMed 0.00015.
gnomAD v4.1: 29 of 1,593,736 alleles (0.0018%); highest among the groups gnomAD compares: Admixed American, 0.032%; no homozygotes.

Submissions (2):

Labcorp Genetics (formerly Invitae), Labcorp
Classification: Likely benign. Last evaluated: 2025-11-18. Review status: criteria provided, single submitter. Criteria: Invitae Variant Classification Sherloc (09022015). Collection method: clinical testing. Allele origin: germline.

PreventionGenetics, part of Exact Sciences
Classification: Likely benign for ZCCHC8-related condition. Last evaluated: 2023-12-11. Review status: no assertion criteria provided. Collection method: clinical testing. Allele origin: germline. Not counted in ClinVar's aggregate classification.
Comment: This variant is classified as likely benign based on ACMG/AMP sequence variant interpretation guidelines (Richards et al. 2015 PMID: 25741868, with internal and published modifications).